The following is an entry in ClinVar:

ClinVar aggregate classification (germline): Uncertain significance (1 of 4 stars; one submission).

gnomAD v4.1: 25 of 1,610,720 alleles (0.0016%); highest among the groups gnomAD compares: Middle Eastern, 0.016%; no homozygotes.

Submission:

Labcorp Genetics (formerly Invitae), Labcorp
Classification: Uncertain significance. Last evaluated: 2024-03-20. Review status: criteria provided, single submitter. Criteria: Invitae Variant Classification Sherloc (09022015). Collection method: clinical testing. Allele origin: germline.
Comment: This sequence change replaces aspartic acid, which is acidic and polar, with glycine, which is neutral and non-polar, at codon 584 of the TECTA protein (p.Asp584Gly). This variant is present in population databases (rs761555232, gnomAD 0.002%). This variant has not been reported in the literature in individuals affected with TECTA-related conditions. Advanced modeling of protein sequence and biophysical properties (such as structural, functional, and spatial information, amino acid conservation, physicochemical variation, residue mobility, and thermodynamic stability) performed at Invitae indicates that this missense variant is not expected to disrupt TECTA protein function with a negative predictive value of 95%. In summary, the available evidence is currently insufficient to determine the role of this variant in disease. Therefore, it has been classified as a Variant of Uncertain Significance.

NM_005422.4(TECTA):c.1751A>G (p.Asp584Gly)

Genes: TBCEL-TECTA (TBCEL-TECTA readthrough; plus strand), TECTA (tectorin alpha; plus strand). Cytogenetic location: 11q23.3.
Variant type: single nucleotide variant.
Coding change: c.1751A>G on transcript NM_005422.4 (MANE Select); coding-DNA position 1751, A replaced by G.
Protein change: p.Asp584Gly; replaces aspartic acid 584 with glycine.
Molecular consequence: missense variant.
Genome position (GRCh38, 1-based): chr11:121,125,849, A>G. VCF-style: chr11-121125849-A-G. GRCh37 (hg19) VCF-style: chr11-120996558-A-G.
Other names: c.2708A>G, p.Asp903Gly (NM_001378761.1); short protein forms D903G, D584G.
Identifiers: ClinVar variation 3665553 (VCV003665553.2).